The following is an entry in ClinVar:

ClinVar aggregate classification (germline): Likely benign (1 of 4 stars; one submission).

Conditions:
Amish lethal microcephaly (MCPHA). Also called: THIAMINE METABOLISM DYSFUNCTION SYNDROME 3 (MICROCEPHALY TYPE); MICROCEPHALY, AMISH TYPE. Identifiers: Orphanet 99742, MedGen C1846648, MONDO:0011790, OMIM 607196.

Allele frequency attached by ClinVar (database versions not stated): TOPMed 0.00045; 1000 Genomes Project 30x 0.00078; 1000 Genomes Project 0.00040.

Submission:

Illumina Laboratory Services, Illumina
Classification: Likely benign for Amish lethal microcephaly. Last evaluated: 2018-01-12. Review status: criteria provided, single submitter. Criteria: ICSL Variant Classification Criteria 13 December 2019. Collection method: clinical testing. Allele origin: germline.
Comment: This variant was observed in the ICSL laboratory as part of a predisposition screen in an ostensibly healthy population. It had not been previously curated by ICSL or reported in the Human Gene Mutation Database (HGMD: prior to June 1st, 2018), and was therefore a candidate for classification through an automated scoring system. Utilizing variant allele frequency, disease prevalence and penetrance estimates, and inheritance mode, an automated score was calculated to assess if this variant is too frequent to cause the disease. Based on the score and internal cut-off values, a variant classified as likely benign is not then subjected to further curation. The score for this variant resulted in a classification of likely benign for this disease.

NM_021734.4(SLC25A19):c.-201T>A

Gene: SLC25A19 (solute carrier family 25 member 19; minus strand). Cytogenetic location: 17q25.1.
Variant type: single nucleotide variant.
Coding change: c.-201T>A on transcript NM_021734.4; 201 bases upstream of the start codon, T replaced by A.
Genome position (GRCh38, 1-based): chr17:75,289,442, A>T on the plus strand (T>A on the coding strand, the complement: SLC25A19 is on the minus strand). VCF-style: chr17-75289442-A-T. GRCh37 (hg19) VCF-style: chr17-73285523-A-T.
Identifiers: ClinVar variation 325071 (VCV000325071.7), dbSNP rs576181366, ClinGen allele CA10650098.